The following is an entry in ClinVar:

NM_001122752.2(SERPINI1):c.297T>G (p.Ala99=)

Gene: SERPINI1 (serpin family I member 1; plus strand). Cytogenetic location: 3q26.1.
Variant type: single nucleotide variant.
Coding change: c.297T>G on transcript NM_001122752.2 (MANE Select); coding-DNA position 297, T replaced by G.
Protein change: p.Ala99=; no amino-acid change (alanine 99 retained).
Molecular consequence: synonymous variant.
Genome position (GRCh38, 1-based): chr3:167,790,418, T>G. VCF-style: chr3-167790418-T-G. GRCh37 (hg19) VCF-style: chr3-167508206-T-G.
Other names: p.Ala99=; c.297T>G, p.Ala99= (NM_005025.5).
Identifiers: ClinVar variation 466615 (VCV000466615.17), dbSNP rs61761891, ClinGen allele CA2694774.

ClinVar aggregate classification (germline): Benign/Likely benign. Review status: criteria provided, multiple submitters, no conflicts (2 of 4 stars). 4 submissions from 4 submitters: Benign (3); Likely benign (1). Last evaluated 2026-01-28.

Conditions:
Familial encephalopathy with neuroserpin inclusion bodies. Also called: ENCEPHALOPATHY, FAMILIAL, WITH COLLINS BODIES. Identifiers: Orphanet 85110, MedGen C1858680, MONDO:0011412, OMIM 604218.

Allele frequency attached by ClinVar (database versions not stated): gnomAD exomes 0.00078; ExAC 0.00089; 1000 Genomes Project 0.00240; 1000 Genomes Project 30x 0.00265; gnomAD 0.00292 and 0.00319; ESP Exome Variant Server 0.00300; TOPMed 0.00326.
gnomAD v4.1: 888 of 1,613,970 alleles (0.055%); highest among the groups gnomAD compares: African/African-American, 1.1%; 4 homozygotes.

Submissions (4):

Labcorp Genetics (formerly Invitae), Labcorp
Classification: Benign for Familial encephalopathy with neuroserpin inclusion bodies. Last evaluated: 2026-01-28. Review status: criteria provided, single submitter. Criteria: Invitae Variant Classification Sherloc (09022015). Collection method: clinical testing. Allele origin: germline.

Mayo Clinic Laboratories, Mayo Clinic
Classification: Benign. Last evaluated: 2025-03-21. Review status: criteria provided, single submitter. Criteria: ACMG Guidelines, 2015. Collection method: clinical testing. Allele origin: germline. Observed: 1 variant allele.
Comment: BS1, BP4, BP7

Blueprint Genetics
Classification: Likely benign. Last evaluated: 2024-10-08. Review status: criteria provided, single submitter. Criteria: ACMG Guidelines, 2015. Collection method: clinical testing. Allele origin: germline.

Illumina Laboratory Services, Illumina
Classification: Benign for Familial encephalopathy with neuroserpin inclusion bodies. Last evaluated: 2018-01-13. Review status: criteria provided, single submitter. Criteria: ICSL Variant Classification Criteria 13 December 2019. Collection method: clinical testing. Allele origin: germline.
Comment: This variant was observed in the ICSL laboratory as part of a predisposition screen in an ostensibly healthy population. It had not been previously curated by ICSL or reported in the Human Gene Mutation Database (HGMD: prior to June 1st, 2018), and was therefore a candidate for classification through an automated scoring system. Utilizing variant allele frequency, disease prevalence and penetrance estimates, and inheritance mode, an automated score was calculated to assess if this variant is too frequent to cause the disease. Based on the score and internal cut-off values, a variant classified as benign is not then subjected to further curation. The score for this variant resulted in a classification of benign for this disease.